The following is an entry in ClinVar:

ClinVar aggregate classification (germline): Uncertain significance (1 of 4 stars; one submission).

gnomAD v4.1: 2 of 1,614,164 alleles (0.00012%); highest among the groups gnomAD compares: Non-Finnish European, 0.00017%; no homozygotes.

Submission:

Labcorp Genetics (formerly Invitae), Labcorp
Classification: Uncertain significance. Last evaluated: 2025-11-20. Review status: criteria provided, single submitter. Criteria: Invitae Variant Classification Sherloc (09022015). Collection method: clinical testing. Allele origin: germline.
Comment: This sequence change replaces proline, which is neutral and non-polar, with serine, which is neutral and polar, at codon 1197 of the ASXL1 protein (p.Pro1197Ser). This variant is present in population databases (rs753491851, gnomAD 0.0009%). This variant has not been reported in the literature in individuals affected with ASXL1-related conditions. An algorithm developed to predict the effect of missense changes on protein structure and function outputs the following: PolyPhen-2: "Benign". The serine amino acid residue is found in multiple mammalian species, which suggests that this missense change does not adversely affect protein function. In summary, the available evidence is currently insufficient to determine the role of this variant in disease. Therefore, it has been classified as a Variant of Uncertain Significance.

NM_015338.6(ASXL1):c.3589C>T (p.Pro1197Ser)

Gene: ASXL1 (ASXL transcriptional regulator 1; plus strand). Cytogenetic location: 20q11.21.
Variant type: single nucleotide variant.
Coding change: c.3589C>T on transcript NM_015338.6 (MANE Select); coding-DNA position 3589, C replaced by T.
Protein change: p.Pro1197Ser; replaces proline 1197 with serine.
Molecular consequence: missense variant.
Genome position (GRCh38, 1-based): chr20:32,436,301, C>T. VCF-style: chr20-32436301-C-T. GRCh37 (hg19) VCF-style: chr20-31024104-C-T.
Other names: c.3406C>T, p.Pro1136Ser (NM_001363734.1); short protein forms P1136S, P1197S.
Identifiers: ClinVar variation 4704109 (VCV004704109.1).